The following is an entry in ClinVar:

NM_001018115.3(FANCD2):c.2977-14T>A

Gene: FANCD2 (FA complementation group D2; plus strand). Cytogenetic location: 3p25.3.
Variant type: single nucleotide variant.
Coding change: c.2977-14T>A on transcript NM_001018115.3 (MANE Select); 14 bases into the intron before coding-DNA position 2977, T replaced by A.
Molecular consequence: intron variant.
Genome position (GRCh38, 1-based): chr3:10,081,086, T>A. VCF-style: chr3-10081086-T-A. GRCh37 (hg19) VCF-style: chr3-10122770-T-A.
Other names: c.2977-14T>A (NM_001319984.2, NM_033084.6, NM_001374254.1); c.2866-14T>A (NM_001374253.1).
Identifiers: ClinVar variation 1477379 (VCV001477379.5), dbSNP rs2125059347, ClinGen allele CA2573136020.

ClinVar aggregate classification (germline): Uncertain significance (1 of 4 stars; one submission).

Conditions:
Fanconi anemia (FA). Also called: Fanconi's anemia. Identifiers: Orphanet 84, MedGen C0015625, MeSH D005199, MONDO:0019391.

Submission:

Labcorp Genetics (formerly Invitae), Labcorp
Classification: Uncertain significance for Fanconi anemia. Last evaluated: 2024-11-04. Review status: criteria provided, single submitter. Criteria: Invitae Variant Classification Sherloc (09022015). Collection method: clinical testing. Allele origin: germline.
Comment: This sequence change falls in intron 30 of the FANCD2 gene. It does not directly change the encoded amino acid sequence of the FANCD2 protein. This variant is not present in population databases (gnomAD no frequency). This variant has not been reported in the literature in individuals affected with FANCD2-related conditions. ClinVar contains an entry for this variant (Variation ID: 1477379). Algorithms developed to predict the effect of sequence changes on RNA splicing suggest that this variant may disrupt the consensus splice site. In summary, the available evidence is currently insufficient to determine the role of this variant in disease. Therefore, it has been classified as a Variant of Uncertain Significance.